The following is an entry in ClinVar:

NM_014243.3(ADAMTS3):c.1694G>A (p.Arg565Gln)

Gene: ADAMTS3 (ADAM metallopeptidase with thrombospondin type 1 motif 3; minus strand). Cytogenetic location: 4q13.3.
Variant type: single nucleotide variant.
Coding change: c.1694G>A on transcript NM_014243.3 (MANE Select); coding-DNA position 1694, G replaced by A.
Protein change: p.Arg565Gln; replaces arginine 565 with glutamine.
Molecular consequence: missense variant.
Genome position (GRCh38, 1-based): chr4:72,313,728, C>T on the plus strand (G>A on the coding strand, the complement: ADAMTS3 is on the minus strand). VCF-style: chr4-72313728-C-T. GRCh37 (hg19) VCF-style: chr4-73179445-C-T.
Other names: c.1694G>A (NM_014243.2); short protein forms R565Q.
Identifiers: ClinVar variation 2654808 (VCV002654808.26), dbSNP rs141374503, ClinGen allele CA2956879.
Genomic context (GRCh38, chr4:72,313,728, plus strand): 5'-TATACTCACATGGGATTATTGCACTGGCGTGTTCTGAAACGAACACCAGTTCCACATGTC[C>T]GAGAACAGGAGCCAAATTTAGTCCATGACCCCCAATTGCCATCTTGTTTTTGCTGATTAG-3'
Protein context (NP_055058.2, residues 555-575): GSWTKFGSCS[Arg565Gln]TCGTGVRFRT

ClinVar aggregate classification (germline): Likely benign. Review status: criteria provided, multiple submitters, no conflicts (2 of 4 stars). 3 submissions from 3 submitters: Likely benign (2). 1 of the submissions does not count toward it. Last evaluated 2024-11-25.

Conditions:
ADAMTS3-related disorder. Also called: ADAMTS3-related condition.

Allele frequency attached by ClinVar (database versions not stated): 1000 Genomes Project 30x 0.00047; 1000 Genomes Project 0.00060; ExAC 0.00196; gnomAD 0.00218; TOPMed 0.00243; ESP Exome Variant Server 0.00292; gnomAD exomes 0.00319.
gnomAD v4.1: 4,940 of 1,613,724 alleles (0.31%); highest among the groups gnomAD compares: Admixed American, 0.43%; 11 homozygotes.

Submissions (3):

Blueprint Genetics
Classification: Likely benign. Last evaluated: 2024-11-25. Review status: criteria provided, single submitter. Criteria: ACMG Guidelines, 2015. Collection method: clinical testing. Allele origin: germline.

CeGaT Center for Human Genetics Tuebingen
Classification: Likely benign. Last evaluated: 2023-10-01. Review status: criteria provided, single submitter. Criteria: CeGaT Center For Human Genetics Tuebingen Variant Classification Criteria Version 2. Collection method: clinical testing. Allele origin: germline. Affected: yes. Observed: 2 variant alleles.
Comment: ADAMTS3: BS2

PreventionGenetics, part of Exact Sciences
Classification: Likely benign for ADAMTS3-related condition. Last evaluated: 2024-01-31. Review status: no assertion criteria provided. Collection method: clinical testing. Allele origin: germline. Not counted in ClinVar's aggregate classification.
Comment: This variant is classified as likely benign based on ACMG/AMP sequence variant interpretation guidelines (Richards et al. 2015 PMID: 25741868, with internal and published modifications).